The following is an entry in ClinVar:

NM_004006.3(DMD):c.7310-1G>A

Gene: DMD (dystrophin; minus strand). Cytogenetic location: Xp21.1.
Variant type: single nucleotide variant.
Coding change: c.7310-1G>A on transcript NM_004006.3 (MANE Select); the canonical splice acceptor site of the intron before coding-DNA position 7310, G replaced by A.
Molecular consequence: splice acceptor variant.
Genome position (GRCh38, 1-based): chrX:31,774,193, C>T on the plus strand (G>A on the coding strand, the complement: DMD is on the minus strand). VCF-style: chrX-31774193-C-T. GRCh37 (hg19) VCF-style: chrX-31792310-C-T.
Other names: c.7286-1G>A (NM_000109.4); c.3287-1G>A (NM_004011.4); c.3278-1G>A (NM_004012.4); c.-71-1G>A (NM_004023.3, NM_004020.4, NM_004022.3 and 2 more transcripts); c.7298-1G>A (NM_004009.3); c.6941-1G>A (NM_004010.3).
Identifiers: ClinVar variation 492825 (VCV000492825.19), dbSNP rs1556880354, ClinGen allele CA412659203.

ClinVar aggregate classification (germline): Pathogenic. Review status: criteria provided, multiple submitters, no conflicts (2 of 4 stars). 5 submissions from 4 submitters: Pathogenic (2). 3 of the submissions do not count toward it. Last evaluated 2025-08-23.

Conditions:
Becker muscular dystrophy (BMD). Also called: MUSCULAR DYSTROPHY, PSEUDOHYPERTROPHIC PROGRESSIVE, BECKER TYPE; Becker Muscular Dystrophy (BMD). Identifiers: Orphanet 98895, MedGen C0917713, MONDO:0010311, OMIM 300376.
Duchenne muscular dystrophy (DMD). Also called: MUSCULAR DYSTROPHY, PSEUDOHYPERTROPHIC PROGRESSIVE, DUCHENNE TYPE; Duchenne Muscular Dystrophy (DMD). Identifiers: Orphanet 98896, MedGen C0013264, MONDO:0010679, OMIM 310200.

Submissions (5):

GeneDx
Classification: Pathogenic. Last evaluated: 2025-08-23. Review status: criteria provided, single submitter. Criteria: GeneDx Variant Classification Process June 2021. Collection method: clinical testing. Allele origin: germline. Affected: yes.
Comment: Not observed at significant frequency in large population cohorts (gnomAD); Canonical splice site variant predicted to result in a null allele in a gene for which loss of function is a known mechanism of disease; This variant is associated with the following publications: (PMID: 25525159, 28859693, 9452089)

Laboratory of Medical Genetics, National & Kapodistrian University of Athens
Classification: Pathogenic for Duchenne muscular dystrophy. Last evaluated: 2022-12-16. Review status: criteria provided, single submitter. Criteria: ACMG Guidelines, 2015. Collection method: clinical testing. Allele origin: germline. Affected: yes.
Comment: PVS1, PM2, PP5

Clinical Laboratory Sciences Program (CLSP), King Saud bin Abdulaziz University for Health Sciences (KSAU-HS)
Classification: Pathogenic for Duchenne muscular dystrophy. Last evaluated: 2023-04-01. Review status: no assertion criteria provided. Collection method: clinical testing. Allele origin: germline. Affected: yes. Not counted in ClinVar's aggregate classification.

Clinical Molecular Genetics Laboratory, Johns Hopkins All Children's Hospital
Classification: Pathogenic for Duchenne muscular dystrophy. Last evaluated: 2014-04-11. Review status: no assertion criteria provided. Collection method: clinical testing. Allele origin: germline. Affected: yes. Not counted in ClinVar's aggregate classification.

Clinical Molecular Genetics Laboratory, Johns Hopkins All Children's Hospital
Classification: Pathogenic for Becker muscular dystrophy. Last evaluated: 2014-04-11. Review status: no assertion criteria provided. Collection method: clinical testing. Allele origin: germline. Affected: yes. Not counted in ClinVar's aggregate classification.